The following is an entry in ClinVar:

ClinVar aggregate classification (germline): Uncertain significance. Review status: criteria provided, multiple submitters, no conflicts (2 of 4 stars). 2 submissions from 2 submitters: Uncertain significance (2). Last evaluated 2026-07-07.

Conditions:
Hereditary cancer-predisposing syndrome. Also called: Tumor predisposition; Hereditary neoplastic syndrome; Neoplastic Syndromes, Hereditary; Hereditary Cancer Syndrome. Identifiers: Orphanet 140162, MedGen C0027672, MeSH D009386, MONDO:0015356.

Submissions (2):

Ambry Genetics
Classification: Uncertain significance for Hereditary cancer-predisposing syndrome. Last evaluated: 2026-07-07. Review status: criteria provided, single submitter. Criteria: Ambry Variant Classification Scheme 2023. Collection method: clinical testing. Allele origin: germline.
Comment: The p.L335V variant (also known as c.1003C>G), located in coding exon 7 of the FH gene, results from a C to G substitution at nucleotide position 1003. The leucine at codon 335 is replaced by valine, an amino acid with highly similar properties. This amino acid position is conserved. In addition, this alteration is predicted to be deleterious by in silico analysis. Based on the available evidence, the clinical significance of this variant remains unclear.

Labcorp Genetics (formerly Invitae), Labcorp
Classification: Uncertain significance. Last evaluated: 2019-01-04. Review status: criteria provided, single submitter. Criteria: Invitae Variant Classification Sherloc (09022015). Collection method: clinical testing. Allele origin: germline.
Comment: In summary, the available evidence is currently insufficient to determine the role of this variant in disease. Therefore, it has been classified as a Variant of Uncertain Significance. Algorithms developed to predict the effect of missense changes on protein structure and function (SIFT, PolyPhen-2, Align-GVGD) all suggest that this variant is likely to be tolerated, but these predictions have not been confirmed by published functional studies and their clinical significance is uncertain. This variant has not been reported in the literature in individuals with FH-related conditions. This variant is not present in population databases (ExAC no frequency). This sequence change replaces leucine with valine at codon 335 of the FH protein (p.Leu335Val). The leucine residue is moderately conserved and there is a small physicochemical difference between leucine and valine.

NM_000143.4(FH):c.1003C>G (p.Leu335Val)

Gene: FH (fumarate hydratase; minus strand). Cytogenetic location: 1q43.
Variant type: single nucleotide variant.
Coding change: c.1003C>G on transcript NM_000143.4 (MANE Select); coding-DNA position 1003, C replaced by G.
Protein change: p.Leu335Val; replaces leucine 335 with valine.
Molecular consequence: missense variant.
Genome position (GRCh38, 1-based): chr1:241,504,147, G>C on the plus strand (C>G on the coding strand, the complement: FH is on the minus strand). VCF-style: chr1-241504147-G-C. GRCh37 (hg19) VCF-style: chr1-241667447-G-C.
Other names: short protein forms L335V.
Identifiers: ClinVar variation 840816 (VCV000840816.11), dbSNP rs1203364199, ClinGen allele CA345438242.